The following is an entry in ClinVar:

ClinVar aggregate classification (germline): Uncertain significance. Review status: criteria provided, multiple submitters, no conflicts (2 of 4 stars). 2 submissions from 2 submitters: Uncertain significance (2). Last evaluated 2025-06-16.

Conditions:
Inborn genetic diseases. Identifiers: MedGen C0950123, MeSH D030342.
LAMA2-related muscular dystrophy (LAMA2-RD). Also called: Laminin alpha 2-related dystrophy. Identifiers: MedGen C5679788, MONDO:0100228.

Allele frequency attached by ClinVar (database versions not stated): gnomAD exomes below 0.00001; TOPMed below 0.00001.
gnomAD v4.1: 2 of 1,613,280 alleles (0.00012%); highest among the groups gnomAD compares: Admixed American, 0.0017%; no homozygotes.

Submissions (2):

Ambry Genetics
Classification: Uncertain significance for Inborn genetic diseases. Last evaluated: 2025-06-16. Review status: criteria provided, single submitter. Criteria: Ambry Variant Classification Scheme 2023. Collection method: clinical testing. Allele origin: germline.

Labcorp Genetics (formerly Invitae), Labcorp
Classification: Uncertain significance for LAMA2-related muscular dystrophy. Last evaluated: 2021-08-31. Review status: criteria provided, single submitter. Criteria: Invitae Variant Classification Sherloc (09022015). Collection method: clinical testing. Allele origin: germline.
Comment: This sequence change replaces threonine with serine at codon 2581 of the LAMA2 protein (p.Thr2581Ser). The threonine residue is moderately conserved and there is a small physicochemical difference between threonine and serine. This variant is not present in population databases (ExAC no frequency). This variant has not been reported in the literature in individuals affected with LAMA2-related conditions. Algorithms developed to predict the effect of missense changes on protein structure and function (SIFT, PolyPhen-2, Align-GVGD) all suggest that this variant is likely to be tolerated. In summary, the available evidence is currently insufficient to determine the role of this variant in disease. Therefore, it has been classified as a Variant of Uncertain Significance.

NM_000426.4(LAMA2):c.7741A>T (p.Thr2581Ser)

Gene: LAMA2 (laminin subunit alpha 2; plus strand). Cytogenetic location: 6q22.33.
Variant type: single nucleotide variant.
Coding change: c.7741A>T on transcript NM_000426.4 (MANE Select); coding-DNA position 7741, A replaced by T.
Protein change: p.Thr2581Ser; replaces threonine 2581 with serine.
Molecular consequence: missense variant.
Genome position (GRCh38, 1-based): chr6:129,481,431, A>T. VCF-style: chr6-129481431-A-T. GRCh37 (hg19) VCF-style: chr6-129802576-A-T.
Other names: c.7729A>T, p.Thr2577Ser (NM_001079823.2); short protein forms T2581S, T2577S.
Identifiers: ClinVar variation 477510 (VCV000477510.3), dbSNP rs1554305958, ClinGen allele CA365628438.